The following is an entry in ClinVar:

ClinVar aggregate classification (germline): Benign. Review status: reviewed by expert panel (3 of 4 stars). 6 submissions from 6 submitters: Benign (1). 5 of the submissions do not count toward it. Last evaluated 2022-06-06.

Conditions:
Inborn genetic diseases. Identifiers: MedGen C0950123, MeSH D030342.
Creatine transporter deficiency (CCDS1). Also called: CEREBRAL CREATINE DEFICIENCY SYNDROME 1; Creatine Transporter (CRTR) Deficiency; Mental retardation , X-linked with seizures, short stature and midface hypoplasia; Mental retardation , X-linked, with creatine transport deficiency; X-linked creatine transporter deficiency; X-linked creatine deficiency syndrome. Identifiers: Orphanet 52503, MedGen C1845862, MONDO:0010305, OMIM 300352.

Allele frequency attached by ClinVar (database versions not stated): gnomAD 0.00011; TOPMed 0.00014.
gnomAD v4.1: 88 of 1,080,795 alleles (0.0081%); highest among the groups gnomAD compares: Admixed American, 0.3%; 2 homozygotes.

Submissions (6):

ClinGen Cerebral Creatine Deficiency Syndromes Variant Curation Expert Panel, ClinGen
Classification: Benign for Creatine transporter deficiency. Last evaluated: 2022-06-06. Review status: reviewed by expert panel. Criteria: ClinGen_CCDS_ACMG_Specifications_SLC6A8_v1.1. Collection method: curation. Allele origin: germline. Inheritance: X-linked inheritance.
Comment: The NM_005629.4(SLC6A8):c.87G>C (p.Gly29=) variant in SLC6A8 is a synonymous single nucleotide variant that does not change the amino acid sequence at this position. In gnomAD v2.1.1, the highest population minor allele frequency is 0.005489 (62/11296 alleles) in the European population, with 10 hemizygotes present. The presence of 10 hemizygotes in the gnomAD dataset meets BA1 standalone criteria for Creatine Transporter Deficiency based on the ACMG/AMP criteria applied, as specified by the ClinGen Cerebral Creatine Deficiency Syndromes Variant Curation Expert Panel (<10 hemizygotes in population database). This variant has not been previously reported in affected individuals in the literature. There is a ClinVar entry for this variant (Variation ID:380589). In summary, this variant meets the criteria to be classified as Benign for Creatine Transporter Deficiency based on the ACMG/AMP criteria applied, as specified by the ClinGen Cerebral Creatine Deficiency Syndromes Variant Curation Expert Panel (Specifications Version 1.0): BA1. (Classification approved by the ClinGen CCDS VCEP on June 6, 2022).

CeGaT Center for Human Genetics Tuebingen
Classification: Likely benign. Last evaluated: 2026-04-01. Review status: criteria provided, single submitter. Criteria: CeGaT Center For Human Genetics Tuebingen Variant Classification Criteria Version 2. Collection method: clinical testing. Allele origin: germline. Affected: yes. Observed: 2 variant alleles. Not counted in ClinVar's aggregate classification.
Comment: SLC6A8: BP4, BP7, BS2

Labcorp Genetics (formerly Invitae), Labcorp
Classification: Likely benign for Creatine transporter deficiency. Last evaluated: 2026-01-19. Review status: criteria provided, single submitter. Criteria: Invitae Variant Classification Sherloc (09022015). Collection method: clinical testing. Allele origin: germline. Not counted in ClinVar's aggregate classification.

Mayo Clinic Laboratories, Mayo Clinic
Classification: Benign. Last evaluated: 2024-12-03. Review status: criteria provided, single submitter. Criteria: ACMG Guidelines, 2015. Collection method: clinical testing. Allele origin: germline. Observed: 1 variant allele. Not counted in ClinVar's aggregate classification.
Comment: BA1

GeneDx
Classification: Benign. Last evaluated: 2018-07-18. Review status: criteria provided, single submitter. Criteria: GeneDx Variant Classification Process June 2021. Collection method: clinical testing. Allele origin: germline. Affected: yes. Not counted in ClinVar's aggregate classification.

Ambry Genetics
Classification: Likely benign for Inborn genetic diseases. Last evaluated: 2016-11-18. Review status: criteria provided, single submitter. Criteria: Ambry Variant Classification Scheme 2023. Collection method: clinical testing. Allele origin: germline. Not counted in ClinVar's aggregate classification.

NM_005629.4(SLC6A8):c.87G>C (p.Gly29=)

Gene: SLC6A8 (solute carrier family 6 member 8; plus strand). Cytogenetic location: Xq28.
Variant type: single nucleotide variant.
Coding change: c.87G>C on transcript NM_005629.4 (MANE Select); coding-DNA position 87, G replaced by C.
Protein change: p.Gly29=; no amino-acid change (glycine 29 retained).
Molecular consequence: synonymous variant.
Genome position (GRCh38, 1-based): chrX:153,688,661, G>C. VCF-style: chrX-153688661-G-C. GRCh37 (hg19) VCF-style: chrX-152954116-G-C.
Other names: NM_005629.4(SLC6A8):c.87G>C; p.Gly29=; c.87G>C, p.Gly29= (NM_001142805.2).
Identifiers: ClinVar variation 380589 (VCV000380589.41), dbSNP rs782373793, ClinGen allele CA16608764.